The following is an entry in ClinVar:

ClinVar aggregate classification (germline): Uncertain significance (1 of 4 stars; one submission).

Conditions:
Hereditary cancer-predisposing syndrome. Also called: Neoplastic Syndromes, Hereditary; Tumor predisposition; Hereditary Cancer Syndrome; Hereditary neoplastic syndrome. Identifiers: Orphanet 140162, MedGen C0027672, MeSH D009386, MONDO:0015356.

Submission:

Ambry Genetics
Classification: Uncertain significance for Hereditary cancer-predisposing syndrome. Last evaluated: 2026-04-06. Review status: criteria provided, single submitter. Criteria: Ambry Variant Classification Scheme 2023. Collection method: clinical testing. Allele origin: germline.
Comment: The p.H2009Y variant (also known as c.6025C>T), located in coding exon 44 of the POLE gene, results from a C to T substitution at nucleotide position 6025. The histidine at codon 2009 is replaced by tyrosine, an amino acid with similar properties. This amino acid position is conserved. In addition, this alteration is predicted to be tolerated by in silico analysis. Based on the available evidence, the clinical significance of this variant remains unclear.

NM_006231.4(POLE):c.6025C>T (p.His2009Tyr)

Gene: POLE (DNA polymerase epsilon, catalytic subunit; minus strand). Cytogenetic location: 12q24.33.
Variant type: single nucleotide variant.
Coding change: c.6025C>T on transcript NM_006231.4 (MANE Select); coding-DNA position 6025, C replaced by T.
Protein change: p.His2009Tyr; replaces histidine 2009 with tyrosine.
Molecular consequence: missense variant.
Genome position (GRCh38, 1-based): chr12:132,632,775, G>A on the plus strand (C>T on the coding strand, the complement: POLE is on the minus strand). VCF-style: chr12-132632775-G-A. GRCh37 (hg19) VCF-style: chr12-133209361-G-A.
Other names: short protein forms H2009Y.
Identifiers: ClinVar variation 4862267 (VCV004862267.1).